The following is an entry in ClinVar:

ClinVar aggregate classification (germline): Uncertain significance (1 of 4 stars; one submission).

Allele frequency attached by ClinVar (database versions not stated): TOPMed below 0.00001.

Submission:

Labcorp Genetics (formerly Invitae), Labcorp
Classification: Uncertain significance. Last evaluated: 2022-10-17. Review status: criteria provided, single submitter. Criteria: Invitae Variant Classification Sherloc (09022015). Collection method: clinical testing. Allele origin: germline.
Comment: This variant has not been reported in the literature in individuals affected with SNRNP200-related conditions. In summary, the available evidence is currently insufficient to determine the role of this variant in disease. Therefore, it has been classified as a Variant of Uncertain Significance. Advanced modeling of protein sequence and biophysical properties (such as structural, functional, and spatial information, amino acid conservation, physicochemical variation, residue mobility, and thermodynamic stability) performed at Invitae indicates that this missense variant is not expected to disrupt SNRNP200 protein function. ClinVar contains an entry for this variant (Variation ID: 1020953). This variant is not present in population databases (gnomAD no frequency). This sequence change replaces tyrosine, which is neutral and polar, with phenylalanine, which is neutral and non-polar, at codon 470 of the SNRNP200 protein (p.Tyr470Phe).

NM_014014.5(SNRNP200):c.1409A>T (p.Tyr470Phe)

Gene: SNRNP200 (small nuclear ribonucleoprotein U5 subunit 200; minus strand). Cytogenetic location: 2q11.2.
Variant type: single nucleotide variant.
Coding change: c.1409A>T on transcript NM_014014.5 (MANE Select); coding-DNA position 1409, A replaced by T.
Protein change: p.Tyr470Phe; replaces tyrosine 470 with phenylalanine.
Molecular consequence: missense variant.
Genome position (GRCh38, 1-based): chr2:96,297,039, T>A on the plus strand (A>T on the coding strand, the complement: SNRNP200 is on the minus strand). VCF-style: chr2-96297039-T-A. GRCh37 (hg19) VCF-style: chr2-96962777-T-A.
Other names: short protein forms Y470F.
Identifiers: ClinVar variation 1020953 (VCV001020953.10), dbSNP rs2063921468, ClinGen allele CA347682855.